The following is an entry in ClinVar:

NM_031935.3(HMCN1):c.15544C>T (p.Arg5182Ter)

Gene: HMCN1 (hemicentin 1; plus strand). Cytogenetic location: 1q31.1.
Variant type: single nucleotide variant.
Coding change: c.15544C>T on transcript NM_031935.3 (MANE Select); coding-DNA position 15544, C replaced by T.
Protein change: p.Arg5182Ter; replaces arginine 5182 with a stop codon.
Molecular consequence: nonsense.
Genome position (GRCh38, 1-based): chr1:186,166,912, C>T. VCF-style: chr1-186166912-C-T. GRCh37 (hg19) VCF-style: chr1-186136044-C-T.
Other names: short protein forms R5182*.
Identifiers: ClinVar variation 2021076 (VCV002021076.4), dbSNP rs769463626, ClinGen allele CA1295291.

ClinVar aggregate classification (germline): Uncertain significance (1 of 4 stars; one submission).

Allele frequency attached by ClinVar (database versions not stated): TOPMed below 0.00001; gnomAD 0.00001; ExAC 0.00002.
gnomAD v4.1: 14 of 1,613,940 alleles (0.00087%); highest among the groups gnomAD compares: African/African-American, 0.0013%; no homozygotes.

Submission:

Labcorp Genetics (formerly Invitae), Labcorp
Classification: Uncertain significance. Last evaluated: 2022-08-01. Review status: criteria provided, single submitter. Criteria: Invitae Variant Classification Sherloc (09022015). Collection method: clinical testing. Allele origin: germline.
Comment: This variant is present in population databases (rs769463626, gnomAD 0.004%). In summary, the available evidence is currently insufficient to determine the role of this variant in disease. Therefore, it has been classified as a Variant of Uncertain Significance. This variant has not been reported in the literature in individuals affected with HMCN1-related conditions. This sequence change creates a premature translational stop signal (p.Arg5182*) in the HMCN1 gene. It is expected to result in an absent or disrupted protein product. However, the current clinical and genetic evidence is not sufficient to establish whether loss-of-function variants in HMCN1 cause disease.